The following is an entry in ClinVar:

NM_001429.4(EP300):c.7173G>A (p.Thr2391=)

Gene: EP300 (EP300 lysine acetyltransferase; plus strand). Cytogenetic location: 22q13.2.
Variant type: single nucleotide variant.
Coding change: c.7173G>A on transcript NM_001429.4 (MANE Select); coding-DNA position 7173, G replaced by A.
Protein change: p.Thr2391=; no amino-acid change (threonine 2391 retained).
Molecular consequence: synonymous variant.
Genome position (GRCh38, 1-based): chr22:41,178,884, G>A. VCF-style: chr22-41178884-G-A. GRCh37 (hg19) VCF-style: chr22-41574888-G-A.
Other names: c.7095G>A, p.Thr2365= (NM_001362843.2); c.7173G>A (NM_001429.3).
Identifiers: ClinVar variation 2163852 (VCV002163852.7), dbSNP rs573669978, ClinGen allele CA10254052.

ClinVar aggregate classification (germline): Likely benign. Review status: criteria provided, multiple submitters, no conflicts (2 of 4 stars). 3 submissions from 3 submitters: Likely benign (2). 1 of the submissions does not count toward it. Last evaluated 2025-12-09.

Conditions:
Rubinstein-Taybi syndrome due to EP300 haploinsufficiency. Also called: RUBINSTEIN-TAYBI SYNDROME 2; EP300-Related Rubinstein-Taybi Syndrome. Identifiers: Orphanet 353284, Orphanet 783, MedGen C3150941, MONDO:0013364, OMIM 613684.
EP300-related disorder. Also called: EP300-related disorders; EP300-related condition.

Allele frequency attached by ClinVar (database versions not stated): gnomAD exomes 0.00001; ExAC 0.00003; gnomAD 0.00003; TOPMed 0.00004; 1000 Genomes Project 30x 0.00016; 1000 Genomes Project 0.00020.
gnomAD v4.1: 18 of 1,614,150 alleles (0.0011%); highest among the groups gnomAD compares: South Asian, 0.0033%; no homozygotes.

Submissions (3):

Labcorp Genetics (formerly Invitae), Labcorp
Classification: Likely benign for Rubinstein-Taybi syndrome due to EP300 haploinsufficiency. Last evaluated: 2025-12-09. Review status: criteria provided, single submitter. Criteria: Invitae Variant Classification Sherloc (09022015). Collection method: clinical testing. Allele origin: germline.

Blueprint Genetics
Classification: Likely benign. Last evaluated: 2024-10-14. Review status: criteria provided, single submitter. Criteria: ACMG Guidelines, 2015. Collection method: clinical testing. Allele origin: germline.

PreventionGenetics, part of Exact Sciences
Classification: Likely benign for EP300-related condition. Last evaluated: 2023-01-04. Review status: no assertion criteria provided. Collection method: clinical testing. Allele origin: germline. Not counted in ClinVar's aggregate classification.
Comment: This variant is classified as likely benign based on ACMG/AMP sequence variant interpretation guidelines (Richards et al. 2015 PMID: 25741868, with internal and published modifications).